The following is an entry in ClinVar:

ClinVar aggregate classification (germline): Likely benign (1 of 4 stars; one submission).

Conditions:
CPT1C-related disorder. Also called: CPT1C-related condition.

gnomAD v4.1: 8 of 1,614,092 alleles (0.0005%); highest among the groups gnomAD compares: East Asian, 0.016%; no homozygotes.

Submission:

PreventionGenetics, part of Exact Sciences
Classification: Likely benign for CPT1C-related condition. Last evaluated: 2026-09-23. Review status: criteria provided, single submitter. Criteria: ACMG Guidelines, 2015. Collection method: clinical testing. Allele origin: germline.
Comment: This variant is classified as likely benign based on ACMG/AMP sequence variant interpretation guidelines (Richards et al. 2015 PMID: 25741868, with internal and published modifications).

NM_001199753.2(CPT1C):c.1054C>T (p.Leu352=)

Gene: CPT1C (carnitine palmitoyltransferase 1C; plus strand). Cytogenetic location: 19q13.33.
Variant type: single nucleotide variant.
Coding change: c.1054C>T on transcript NM_001199753.2 (MANE Select); coding-DNA position 1054, C replaced by T.
Protein change: p.Leu352=; no amino-acid change (leucine 352 retained).
Molecular consequence: synonymous variant. On other transcripts: non-coding transcript variant (1).
Genome position (GRCh38, 1-based): chr19:49,705,998, C>T. VCF-style: chr19-49705998-C-T. GRCh37 (hg19) VCF-style: chr19-50209255-C-T.
Other names: c.1021C>T, p.Leu341= (NM_001136052.3, NM_001378485.1, NM_001378487.1); c.1054C>T, p.Leu352= (NM_001199752.3, NM_001378483.1, NM_001378484.1 and 3 more transcripts); c.1120C>T, p.Leu374= (NM_001378482.1).
Identifiers: ClinVar variation 4984505 (VCV004984505.1).